The following is an entry in ClinVar:

NM_001142800.2(EYS):c.1215_1216del (p.Cys405_Glu406delinsTer)

Gene: EYS (eyes shut homolog; minus strand). Cytogenetic location: 6q12.
Variant type: Microsatellite.
Coding change: c.1215_1216del on transcript NM_001142800.2 (MANE Select); coding-DNA positions 1215 to 1216, 2 bases deleted (TG; older notation c.1215_1216delTG).
Protein change: p.Cys405_Glu406delinsTer.
Molecular consequence: nonsense.
Genome position (GRCh38, 1-based): chr6:65,384,469-65,384,470, CA deleted on the plus strand (TG on the coding strand, the reverse complement: EYS is on the minus strand); deleting any 2 consecutive bases within chr6:65,384,469-65,384,472 gives the same sequence; the c. name uses the placement nearest the transcript's 3' end. VCF-style (leftmost placement, unchanged base first): chr6-65384468-TCA-T. GRCh37 (hg19) VCF-style: chr6-66094361-TCA-T.
Other names: c.1215_1216del, p.Cys405_Glu406delinsTer (NM_001142801.2, NM_001292009.2, NM_198283.2).
Identifiers: ClinVar variation 3594087 (VCV003594087.2).

ClinVar aggregate classification (germline): Likely pathogenic. Review status: criteria provided, multiple submitters, no conflicts (2 of 4 stars). 2 submissions from 2 submitters: Likely pathogenic (2). Last evaluated 2024-04-05.

Conditions:
Retinitis pigmentosa 25 (RP25). Identifiers: Orphanet 791, MedGen C1864446, MONDO:0011272, OMIM 602772.

Submissions (2):

Fulgent Genetics
Classification: Likely pathogenic for Retinitis pigmentosa 25. Last evaluated: 2024-04-05. Review status: criteria provided, single submitter. Criteria: ACMG Guidelines, 2015. Collection method: clinical testing. Allele origin: germline.

3billion
Classification: Likely pathogenic for Retinitis pigmentosa 25. Last evaluated: 2023-09-14. Review status: criteria provided, single submitter. Criteria: ACMG Guidelines, 2015. Collection method: clinical testing. Allele origin: germline. Affected: yes.
Comment: The variant is not observed in the gnomAD v2.1.1 dataset. Predicted Consequence/Location: Stop-gained (nonsense): predicted to result in a loss or disruption of normal protein function through nonsense-mediated decay (NMD) or protein truncation. Multiple pathogenic variants are reported downstream of the variant. Therefore, this variant is classified as Likely pathogenic according to the recommendation of ACMG/AMP guideline.